The following is an entry in ClinVar:

ClinVar aggregate classification (germline): Uncertain significance (0 of 4 stars; one submission).

Conditions:
Thrombomodulin-related bleeding disorder (THPH12). Also called: Thrombophilia due to thrombomodulin defect. Identifiers: Orphanet 436169, MedGen C3280976, MONDO:0013775, OMIM 614486.

Submission:

ISTH-SSC Genomics in Thrombosis and Hemostasis, KU Leuven, Center for Molecular and Vascular Biology
Classification: Uncertain significance for Thrombomodulin-related bleeding disorder. Review status: no assertion criteria provided. Collection method: clinical testing. Allele origin: germline. Affected: yes.
Comment: Submitted to GoldVariant by Bilal Jradeh from Katharine Dormandy Haemophilia and Thrombosis Centre, Royal Free Hospital, London, UK

NM_000361.3(THBD):c.1351T>A (p.Cys451Ser)

Gene: THBD (thrombomodulin; minus strand). Cytogenetic location: 20p11.21.
Variant type: single nucleotide variant.
Coding change: c.1351T>A on transcript NM_000361.3 (MANE Select); coding-DNA position 1351, T replaced by A.
Protein change: p.Cys451Ser; replaces cysteine 451 with serine.
Molecular consequence: missense variant.
Genome position (GRCh38, 1-based): chr20:23,048,154, A>T on the plus strand (T>A on the coding strand, the complement: THBD is on the minus strand). VCF-style: chr20-23048154-A-T. GRCh37 (hg19) VCF-style: chr20-23028791-A-T.
Other names: short protein forms C451S.
Identifiers: ClinVar variation 1684337 (VCV001684337.1), dbSNP rs776495714, ClinGen allele CA408405702.